The following is an entry in ClinVar:

ClinVar aggregate classification (germline): Uncertain significance (1 of 4 stars; one submission).

Conditions:
MHC class I deficiency. Identifiers: Orphanet 34592, MedGen C6024714, MONDO:0011476.

Allele frequency attached by ClinVar (database versions not stated): ExAC 0.00002; gnomAD exomes 0.00001; TOPMed 0.00001; gnomAD 0.00002; 1000 Genomes Project 30x 0.00016; ESP Exome Variant Server 0.00012.
gnomAD v4.1: 4 of 1,612,802 alleles (0.00025%); highest among the groups gnomAD compares: African/African-American, 0.004%; no homozygotes.

Submission:

Labcorp Genetics (formerly Invitae), Labcorp
Classification: Uncertain significance for MHC class I deficiency 1. Last evaluated: 2022-07-19. Review status: criteria provided, single submitter. Criteria: Invitae Variant Classification Sherloc (09022015). Collection method: clinical testing. Allele origin: germline.
Comment: This sequence change replaces methionine, which is neutral and non-polar, with leucine, which is neutral and non-polar, at codon 391 of the TAP2 protein (p.Met391Leu). This variant is present in population databases (rs140330266, gnomAD 0.01%). This variant has not been reported in the literature in individuals affected with TAP2-related conditions. ClinVar contains an entry for this variant (Variation ID: 1038881). Algorithms developed to predict the effect of missense changes on protein structure and function output the following: SIFT: "Tolerated"; PolyPhen-2: "Not Available"; Align-GVGD: "Class C0". The leucine amino acid residue is found in multiple mammalian species, which suggests that this missense change does not adversely affect protein function. In summary, the available evidence is currently insufficient to determine the role of this variant in disease. Therefore, it has been classified as a Variant of Uncertain Significance.

NM_001290043.2(TAP2):c.1171A>T (p.Met391Leu)

Gene: TAP2 (transporter 2, ATP binding cassette subfamily B member; minus strand). Cytogenetic location: 6p21.32.
Variant type: single nucleotide variant.
Coding change: c.1171A>T on transcript NM_001290043.2 (MANE Select); coding-DNA position 1171, A replaced by T.
Protein change: p.Met391Leu; replaces methionine 391 with leucine.
Molecular consequence: missense variant.
Genome position (GRCh38, 1-based): chr6:32,832,434, T>A on the plus strand (A>T on the coding strand, the complement: TAP2 is on the minus strand). VCF-style: chr6-32832434-T-A. GRCh37 (hg19) VCF-style: chr6-32800211-T-A.
Other names: c.1171A>T, p.Met391Leu (NM_000544.3, NM_018833.3); short protein forms M391L.
Identifiers: ClinVar variation 1038881 (VCV001038881.9), dbSNP rs140330266, ClinGen allele CA3745971.